The following is an entry in ClinVar:

NM_006258.4(PRKG1):c.1148T>C (p.Val383Ala)

Gene: PRKG1 (protein kinase cGMP-dependent 1; plus strand). Cytogenetic location: 10q21.1.
Variant type: single nucleotide variant.
Coding change: c.1148T>C on transcript NM_006258.4 (MANE Select); coding-DNA position 1148, T replaced by C.
Protein change: p.Val383Ala; replaces valine 383 with alanine.
Molecular consequence: missense variant. On other transcripts: 5 prime UTR variant (1).
Genome position (GRCh38, 1-based): chr10:52,251,641, T>C. VCF-style: chr10-52251641-T-C. GRCh37 (hg19) VCF-style: chr10-54011401-T-C.
Other names: c.1103T>C, p.Val368Ala (NM_001098512.3); c.-62T>C (NM_001374781.1); short protein forms V368A, V383A.
Identifiers: ClinVar variation 1733114 (VCV001733114.2), dbSNP rs1841172020, ClinGen allele CA376534772.

ClinVar aggregate classification (germline): Uncertain significance (1 of 4 stars; one submission).

Conditions:
Familial thoracic aortic aneurysm and aortic dissection (TAAD). Also called: Thoracic aortic aneurysms and dissections. Identifiers: Orphanet 91387, MedGen C4707243, MONDO:0019625.

gnomAD v4.1: 1 of 1,613,488 alleles (0.000062%); no homozygotes.

Submission:

Ambry Genetics
Classification: Uncertain significance for Familial thoracic aortic aneurysm and aortic dissection. Last evaluated: 2020-11-06. Review status: criteria provided, single submitter. Criteria: Ambry Variant Classification Scheme 2023. Collection method: clinical testing. Allele origin: germline.
Comment: The p.V383A variant (also known as c.1148T>C), located in coding exon 10 of the PRKG1 gene, results from a T to C substitution at nucleotide position 1148. The valine at codon 383 is replaced by alanine, an amino acid with similar properties. This amino acid position is highly conserved in available vertebrate species. In addition, the in silico prediction for this alteration is inconclusive. Since supporting evidence is limited at this time, the clinical significance of this alteration remains unclear.